The following is an entry in ClinVar:

NM_023110.3(FGFR1):c.2023C>G (p.Arg675Gly)

Gene: FGFR1 (fibroblast growth factor receptor 1; minus strand). Cytogenetic location: 8p11.23.
Variant type: single nucleotide variant.
Coding change: c.2023C>G on transcript NM_023110.3 (MANE Select); coding-DNA position 2023, C replaced by G.
Protein change: p.Arg675Gly; replaces arginine 675 with glycine.
Molecular consequence: missense variant.
Genome position (GRCh38, 1-based): chr8:38,414,584, G>C on the plus strand (C>G on the coding strand, the complement: FGFR1 is on the minus strand). VCF-style: chr8-38414584-G-C. GRCh37 (hg19) VCF-style: chr8-38272102-G-C.
Other names: c.2017C>G, p.Arg673Gly (NM_001174063.2, NM_001174065.2, NM_001354367.2 and 1 more transcripts); c.1993C>G, p.Arg665Gly (NM_001174064.2); c.1756C>G, p.Arg586Gly (NM_001174066.2, NM_023105.3); c.2116C>G, p.Arg706Gly (NM_001174067.2); c.1744C>G, p.Arg582Gly (NM_001354368.2); c.2011C>G, p.Arg671Gly (NM_001354369.2, NM_001410922.1); c.1750C>G, p.Arg584Gly (NM_001354370.2, NM_023106.3); short protein forms R671G, R673G, R675G, R706G, R665G, R582G, R584G, R586G.
Identifiers: ClinVar variation 4789775 (VCV004789775.1).
Genomic context (GRCh38, chr8:38,414,584, plus strand): 5'-CCACACCTCCCTGGCAATTGCTATTACAAACTCACACATCACTCTGGTGGGTGTAGATCC[G>C]GTCAAATAATGCCTCGGGTGCCATCCACTTCACAGGCAGTCGGCCCTGAAAGCAGCACAG-3'
Protein context (NP_075598.2, residues 665-685): KWMAPEALFD[Arg675Gly]IYTHQSDVWS

ClinVar aggregate classification (germline): Uncertain significance (1 of 4 stars; one submission).

Conditions:
Hypogonadotropic hypogonadism 2 with or without anosmia (HH2). Also called: HYPOGONADOTROPIC HYPOGONADISM 2 WITHOUT ANOSMIA; FGFR1-Related GnRH Deficiency (Kallmann Syndrome 2); HYPOGONADOTROPIC HYPOGONADISM 2 WITH OR WITHOUT ANOSMIA, SUSCEPTIBILITY TO; HYPOGONADOTROPIC HYPOGONADISM 2 WITHOUT ANOSMIA, SUSCEPTIBILITY TO. Identifiers: Orphanet 478, MedGen C1563720, MONDO:0007844, OMIM 147950. Disease mechanism: loss of function.
Pfeiffer syndrome (ACS5). Also called: ACS V. Identifiers: Orphanet 710, MedGen C0220658, MONDO:0007043, OMIM 101600.

Submission:

Labcorp Genetics (formerly Invitae), Labcorp
Classification: Uncertain significance for Pfeiffer syndrome; Hypogonadotropic hypogonadism 2 with or without anosmia. Last evaluated: 2025-10-01. Review status: criteria provided, single submitter. Criteria: Invitae Variant Classification Sherloc (09022015). Collection method: clinical testing. Allele origin: germline.
Comment: This sequence change replaces arginine, which is basic and polar, with glycine, which is neutral and non-polar, at codon 675 of the FGFR1 protein (p.Arg675Gly). This variant is not present in population databases (gnomAD no frequency). This variant has not been reported in the literature in individuals affected with FGFR1-related conditions. Invitae Evidence Modeling of protein sequence and biophysical properties (such as structural, functional, and spatial information, amino acid conservation, physicochemical variation, residue mobility, and thermodynamic stability) indicates that this missense variant is not expected to disrupt FGFR1 protein function with a negative predictive value of 80%. In summary, the available evidence is currently insufficient to determine the role of this variant in disease. Therefore, it has been classified as a Variant of Uncertain Significance.